The following is an entry in ClinVar:

NM_004606.5(TAF1):c.4856T>A (p.Ile1619Asn)

Gene: TAF1 (TATA-box binding protein associated factor 1; plus strand). Cytogenetic location: Xq13.1.
Variant type: single nucleotide variant.
Coding change: c.4856T>A on transcript NM_004606.5 (MANE Select); coding-DNA position 4856, T replaced by A.
Protein change: p.Ile1619Asn; replaces isoleucine 1619 with asparagine.
Molecular consequence: missense variant. On other transcripts: non-coding transcript variant (9).
Genome position (GRCh38, 1-based): chrX:71,454,775, T>A. VCF-style: chrX-71454775-T-A. GRCh37 (hg19) VCF-style: chrX-70674625-T-A.
Other names: c.4856T>A, p.Ile1619Asn (NM_001286074.2, NM_001440852.1, NM_001440853.1); c.4793T>A, p.Ile1598Asn (NM_001440854.1, NM_138923.4); short protein forms I1598N, I1619N.
Identifiers: ClinVar variation 4882334 (VCV004882334.2).

ClinVar aggregate classification (germline): Uncertain significance (1 of 4 stars; one submission).

Submission:

Dasa
Classification: Uncertain significance. Last evaluated: 2026-03-25. Review status: criteria provided, single submitter. Criteria: DASA Assertion Criteria. Collection method: clinical testing. Allele origin: germline.
Comment: NM_004606.5(TAF1):c.4856T>A (p.Ile1619Asn) is a missense variant that results in the substitution of isoleucine with asparagine. This variant is rare in population databases. The currently available literature and clinical evidence are not sufficient to establish a definitive association between this variant and the reported condition. Therefore, this variant is classified as a variant of uncertain significance.